The following is an entry in ClinVar:

ClinVar aggregate classification (germline): Uncertain significance (1 of 4 stars; one submission).

Submission:

CeGaT Center for Human Genetics Tuebingen
Classification: Uncertain significance. Last evaluated: 2024-05-01. Review status: criteria provided, single submitter. Criteria: CeGaT Center For Human Genetics Tuebingen Variant Classification Criteria Version 2. Collection method: clinical testing. Allele origin: germline. Affected: yes. Observed: 1 variant allele.
Comment: RNF111: PM2

NM_017610.8(RNF111):c.1936A>T (p.Met646Leu)

Gene: RNF111 (ring finger protein 111; plus strand). Cytogenetic location: 15q22.2.
Variant type: single nucleotide variant.
Coding change: c.1936A>T on transcript NM_017610.8 (MANE Select); coding-DNA position 1936, A replaced by T.
Protein change: p.Met646Leu; replaces methionine 646 with leucine.
Molecular consequence: missense variant.
Genome position (GRCh38, 1-based): chr15:59,076,203, A>T. VCF-style: chr15-59076203-A-T. GRCh37 (hg19) VCF-style: chr15-59368402-A-T.
Other names: c.1936A>T, p.Met646Leu (NM_001270528.2, NM_001270530.2, NM_001330331.2); c.1933A>T, p.Met645Leu (NM_001270529.2); short protein forms M645L, M646L.
Identifiers: ClinVar variation 3239529 (VCV003239529.19), dbSNP rs777435853.
Genomic context (GRCh38, chr15:59,076,203, plus strand): 5'-GTTGCGCAGCCCCAGCCCCAGCCCCCTCCACAGCCCTCTCTCTCATCATGTCGACATTAC[A>T]TGCCACCCCCTTGTAAGTATATACTTAGTGGACACAAAATCTAGAGTCATGTCAATGAAG-3'
Protein context (NP_060080.6, residues 636-656): QPSLSSCRHY[Met646Leu]PPPYASLTRP